The following is an entry in ClinVar:

ClinVar aggregate classification (germline): Uncertain significance. Review status: criteria provided, multiple submitters, no conflicts (2 of 4 stars). 2 submissions from 2 submitters: Uncertain significance (2). Last evaluated 2022-07-20.

Conditions:
6-Pyruvoyl-tetrahydrobiopterin synthase deficiency. Also called: PTS-Related Tetrahydrobiopterin Deficiency; BH4-deficient hyperphenylalaninemia A; PTS DEFICIENCY; 6-Pyruvoyltetrahydropterin Synthase Deficiency; HYPERPHENYLALANINEMIA, TETRAHYDROBIOPTERIN-DEFICIENT, DUE TO PTS DEFICIENCY; Hyperphenylalanemia, BH4-deficient, A. Identifiers: Orphanet 13, Orphanet 238583, MedGen C0878676, MONDO:0009863, OMIM 261640.
Inborn genetic diseases. Identifiers: MedGen C0950123, MeSH D030342.

Allele frequency attached by ClinVar (database versions not stated): gnomAD exomes below 0.00001.
gnomAD v4.1: 1 of 1,612,400 alleles (0.000062%); highest among the groups gnomAD compares: Non-Finnish European, 0.000085%; no homozygotes.

Submissions (2):

Ambry Genetics
Classification: Uncertain significance for Inborn genetic diseases. Last evaluated: 2022-07-20. Review status: criteria provided, single submitter. Criteria: Ambry Variant Classification Scheme 2023. Collection method: clinical testing. Allele origin: germline.

Labcorp Genetics (formerly Invitae), Labcorp
Classification: Uncertain significance for 6-Pyruvoyl-tetrahydrobiopterin synthase deficiency. Last evaluated: 2022-06-14. Review status: criteria provided, single submitter. Criteria: Invitae Variant Classification Sherloc (09022015). Collection method: clinical testing. Allele origin: germline.
Comment: This sequence change replaces asparagine, which is neutral and polar, with aspartic acid, which is acidic and polar, at codon 44 of the PTS protein (p.Asn44Asp). This variant is not present in population databases (gnomAD no frequency). This variant has not been reported in the literature in individuals affected with PTS-related conditions. Algorithms developed to predict the effect of missense changes on protein structure and function are either unavailable or do not agree on the potential impact of this missense change (SIFT: "Deleterious"; PolyPhen-2: "Possibly Damaging"; Align-GVGD: "Class C0"). In summary, the available evidence is currently insufficient to determine the role of this variant in disease. Therefore, it has been classified as a Variant of Uncertain Significance.

NM_000317.3(PTS):c.130A>G (p.Asn44Asp)

Gene: PTS (6-pyruvoyltetrahydropterin synthase; plus strand). Cytogenetic location: 11q23.1.
Variant type: single nucleotide variant.
Coding change: c.130A>G on transcript NM_000317.3 (MANE Select); coding-DNA position 130, A replaced by G.
Protein change: p.Asn44Asp; replaces asparagine 44 with aspartic acid.
Molecular consequence: missense variant.
Genome position (GRCh38, 1-based): chr11:112,228,640, A>G. VCF-style: chr11-112228640-A-G. GRCh37 (hg19) VCF-style: chr11-112099363-A-G.
Other names: short protein forms N44D.
Identifiers: ClinVar variation 1950089 (VCV001950089.3), dbSNP rs2496564225, ClinGen allele CA382627065.
Genomic context (GRCh38, chr11:112,228,640, plus strand): 5'-TTTTTTTTGGTCAGTAAATTTCTAAGTGATGAAGAAAACTTGAAACTGTTTGGGAAATGC[A>G]ACAATCCAAATGGCCATGGGCACAATTATAAAGGTGAGAGAAAAACTGATGACATTTCAG-3'
Protein context (NP_000308.1, residues 34-54): EENLKLFGKC[Asn44Asp]NPNGHGHNYK